The following is an entry in ClinVar:

NM_015378.4(VPS13D):c.10702G>T (p.Gly3568Trp)

Gene: VPS13D (vacuolar protein sorting 13 homolog D; plus strand). Cytogenetic location: 1p36.22.
Variant type: single nucleotide variant.
Coding change: c.10702G>T on transcript NM_015378.4 (MANE Select); coding-DNA position 10702, G replaced by T.
Protein change: p.Gly3568Trp; replaces glycine 3568 with tryptophan.
Molecular consequence: missense variant.
Genome position (GRCh38, 1-based): chr1:12,369,596, G>T. VCF-style: chr1-12369596-G-T. GRCh37 (hg19) VCF-style: chr1-12429651-G-T.
Other names: c.10627G>T, p.Gly3543Trp (NM_018156.4); short protein forms G3568W, G3543W.
Identifiers: ClinVar variation 4692815 (VCV004692815.1).
Genomic context (GRCh38, chr1:12,369,596, plus strand): 5'-TCATTGGATTATGCCTGGGACGAACCCACCTTGCCACCTTTTATCACTCTGACTGTTAAA[G>T]GGGCAGGGTCCTCTGAGATCAACTGCAACATGAATGATTTCCAGGATAATCGGCAGCTTT-3'
Protein context (NP_056193.2, residues 3558-3578): LPPFITLTVK[Gly3568Trp]AGSSEINCNM

ClinVar aggregate classification (germline): Uncertain significance (1 of 4 stars; one submission).

gnomAD v4.1: 9 of 1,614,056 alleles (0.00056%); highest among the groups gnomAD compares: Middle Eastern, 0.033%; no homozygotes.

Submission:

Labcorp Genetics (formerly Invitae), Labcorp
Classification: Uncertain significance. Last evaluated: 2025-03-16. Review status: criteria provided, single submitter. Criteria: Invitae Variant Classification Sherloc (09022015). Collection method: clinical testing. Allele origin: germline.
Comment: This sequence change replaces glycine, which is neutral and non-polar, with tryptophan, which is neutral and slightly polar, at codon 3568 of the VPS13D protein (p.Gly3568Trp). This variant is present in population databases (no rsID available, gnomAD 0.003%). This missense change has been observed in individual(s) with VPS13D-related conditions (PMID: 36156252). Invitae Evidence Modeling of protein sequence and biophysical properties (such as structural, functional, and spatial information, amino acid conservation, physicochemical variation, residue mobility, and thermodynamic stability) indicates that this missense variant is expected to disrupt VPS13D protein function with a positive predictive value of 80%. In summary, the available evidence is currently insufficient to determine the role of this variant in disease. Therefore, it has been classified as a Variant of Uncertain Significance.

Literature cited by the submitters: PubMed 36156252.